The following is an entry in ClinVar:

ClinVar aggregate classification (germline): Conflicting classifications of pathogenicity. Review status: criteria provided, conflicting classifications (1 of 4 stars). 6 submissions from 6 submitters: Uncertain significance (4); Likely benign (1). 1 of the submissions does not count toward it. Last evaluated 2025-10-08.

Conditions:
Cardiovascular phenotype. Identifiers: MedGen CN230736.
Cholestanol storage disease (CTX). Also called: CEREBRAL CHOLESTERINOSIS; CTX: Cerebrotendinous xanthomatosis; Cerebrotendinous Xanthomatosis. Identifiers: Orphanet 909, MedGen C0238052, MONDO:0008948, OMIM 213700.

Allele frequency attached by ClinVar (database versions not stated): ESP Exome Variant Server 0.00008; gnomAD 0.00011; TOPMed 0.00011; 1000 Genomes Project 30x 0.00016; 1000 Genomes Project 0.00020; ExAC 0.00021; gnomAD exomes 0.00022.
gnomAD v4.1: 206 of 1,614,114 alleles (0.013%); highest among the groups gnomAD compares: South Asian, 0.087%; 3 homozygotes.

Submissions (6):

GeneDx
Classification: Uncertain significance. Last evaluated: 2025-10-08. Review status: criteria provided, single submitter. Criteria: GeneDx Variant Classification Process June 2021. Collection method: clinical testing. Allele origin: germline. Affected: yes.
Comment: In silico analysis supports that this missense variant has a deleterious effect on protein structure/function; Has not been previously published as pathogenic or benign to our knowledge

Ambry Genetics
Classification: Likely benign for Cardiovascular phenotype. Last evaluated: 2025-08-25. Review status: criteria provided, single submitter. Criteria: Ambry Variant Classification Scheme 2023. Collection method: clinical testing. Allele origin: germline.

Labcorp Genetics (formerly Invitae), Labcorp
Classification: Uncertain significance for Cholestanol storage disease. Last evaluated: 2022-08-23. Review status: criteria provided, single submitter. Criteria: Invitae Variant Classification Sherloc (09022015). Collection method: clinical testing. Allele origin: germline.
Comment: This sequence change replaces arginine, which is basic and polar, with tryptophan, which is neutral and slightly polar, at codon 119 of the CYP27A1 protein (p.Arg119Trp). This variant is present in population databases (rs369294392, gnomAD 0.2%). This variant has not been reported in the literature in individuals affected with CYP27A1-related conditions. ClinVar contains an entry for this variant (Variation ID: 447230). Advanced modeling of protein sequence and biophysical properties (such as structural, functional, and spatial information, amino acid conservation, physicochemical variation, residue mobility, and thermodynamic stability) performed at Invitae indicates that this missense variant is expected to disrupt CYP27A1 protein function. In summary, the available evidence is currently insufficient to determine the role of this variant in disease. Therefore, it has been classified as a Variant of Uncertain Significance.

Athena Diagnostics
Classification: Uncertain significance. Last evaluated: 2018-05-15. Review status: criteria provided, single submitter. Criteria: Athena Diagnostics Criteria. Collection method: clinical testing. Allele origin: germline.

Breakthrough Genomics
Classification: Uncertain significance. Review status: criteria provided, single submitter. Criteria: ACMG Guidelines, 2015. Collection method: not provided. Allele origin: germline. Inheritance: Autosomal recessive inheritance. Affected: yes.

Natera, Inc.
Classification: Uncertain significance for Cerebrotendinous xanthomatosis. Last evaluated: 2019-11-11. Review status: no assertion criteria provided. Collection method: clinical testing. Allele origin: germline. Not counted in ClinVar's aggregate classification.

NM_000784.4(CYP27A1):c.355C>T (p.Arg119Trp)

Gene: CYP27A1 (cytochrome P450 family 27 subfamily A member 1; plus strand). Cytogenetic location: 2q35.
Variant type: single nucleotide variant.
Coding change: c.355C>T on transcript NM_000784.4 (MANE Select); coding-DNA position 355, C replaced by T.
Protein change: p.Arg119Trp; replaces arginine 119 with tryptophan.
Molecular consequence: missense variant.
Genome position (GRCh38, 1-based): chr2:218,809,676, C>T. VCF-style: chr2-218809676-C-T. GRCh37 (hg19) VCF-style: chr2-219674399-C-T.
Other names: short protein forms R119W.
Identifiers: ClinVar variation 447230 (VCV000447230.10), dbSNP rs369294392, ClinGen allele CA2112572.